The following is an entry in ClinVar:

ClinVar aggregate classification (germline): Uncertain significance (1 of 4 stars; one submission).

Allele frequency attached by ClinVar (database versions not stated): gnomAD 0.00001.
gnomAD v4.1: 2 of 1,614,086 alleles (0.00012%); highest among the groups gnomAD compares: African/African-American, 0.0027%; no homozygotes.

Submission:

Labcorp Genetics (formerly Invitae), Labcorp
Classification: Uncertain significance. Last evaluated: 2022-11-26. Review status: criteria provided, single submitter. Criteria: Invitae Variant Classification Sherloc (09022015). Collection method: clinical testing. Allele origin: germline.
Comment: In summary, the available evidence is currently insufficient to determine the role of this variant in disease. Therefore, it has been classified as a Variant of Uncertain Significance. Advanced modeling of protein sequence and biophysical properties (such as structural, functional, and spatial information, amino acid conservation, physicochemical variation, residue mobility, and thermodynamic stability) performed at Invitae indicates that this missense variant is expected to disrupt TUBG1 protein function. This variant has not been reported in the literature in individuals affected with TUBG1-related conditions. This variant is not present in population databases (gnomAD no frequency). This sequence change replaces histidine, which is basic and polar, with tyrosine, which is neutral and polar, at codon 267 of the TUBG1 protein (p.His267Tyr).

NM_001070.5(TUBG1):c.799C>T (p.His267Tyr)

Gene: TUBG1 (tubulin gamma 1; plus strand). Cytogenetic location: 17q21.2.
Variant type: single nucleotide variant.
Coding change: c.799C>T on transcript NM_001070.5 (MANE Select); coding-DNA position 799, C replaced by T.
Protein change: p.His267Tyr; replaces histidine 267 with tyrosine.
Molecular consequence: missense variant.
Genome position (GRCh38, 1-based): chr17:42,613,954, C>T. VCF-style: chr17-42613954-C-T. GRCh37 (hg19) VCF-style: chr17-40765972-C-T.
Other names: short protein forms H267Y.
Identifiers: ClinVar variation 2798455 (VCV002798455.3), dbSNP rs2052056121, ClinGen allele CA399626972.